The following is an entry in ClinVar:

NM_006063.3(KLHL41):c.335G>A (p.Arg112His)

Gene: KLHL41 (kelch like family member 41; plus strand). Cytogenetic location: 2q31.1.
Variant type: single nucleotide variant.
Coding change: c.335G>A on transcript NM_006063.3 (MANE Select); coding-DNA position 335, G replaced by A.
Protein change: p.Arg112His; replaces arginine 112 with histidine.
Molecular consequence: missense variant.
Genome position (GRCh38, 1-based): chr2:169,510,113, G>A. VCF-style: chr2-169510113-G-A. GRCh37 (hg19) VCF-style: chr2-170366623-G-A.
Other names: short protein forms R112H.
Identifiers: ClinVar variation 2046677 (VCV002046677.2), dbSNP rs201558231, ClinGen allele CA59943551.

ClinVar aggregate classification (germline): Uncertain significance (1 of 4 stars; one submission).

Conditions:
Nemaline myopathy 9 (NEM9). Identifiers: MedGen C3810384, MONDO:0014326, OMIM 615731.

Allele frequency attached by ClinVar (database versions not stated): gnomAD 0.00003; TOPMed 0.00003; gnomAD exomes 0.00004; 1000 Genomes Project 30x 0.00016; 1000 Genomes Project 0.00020.

Submission:

Labcorp Genetics (formerly Invitae), Labcorp
Classification: Uncertain significance for Nemaline myopathy 9. Last evaluated: 2025-08-21. Review status: criteria provided, single submitter. Criteria: Invitae Variant Classification Sherloc (09022015). Collection method: clinical testing. Allele origin: germline.
Comment: This sequence change replaces arginine, which is basic and polar, with histidine, which is basic and polar, at codon 112 of the KLHL41 protein (p.Arg112His). This variant is present in population databases (rs201558231, gnomAD 0.003%). This variant has not been reported in the literature in individuals affected with KLHL41-related conditions. ClinVar contains an entry for this variant (Variation ID: 2046677). Invitae Evidence Modeling of protein sequence and biophysical properties (such as structural, functional, and spatial information, amino acid conservation, physicochemical variation, residue mobility, and thermodynamic stability) indicates that this missense variant is not expected to disrupt KLHL41 protein function with a negative predictive value of 80%. In summary, the available evidence is currently insufficient to determine the role of this variant in disease. Therefore, it has been classified as a Variant of Uncertain Significance.